The following is an entry in ClinVar:

ClinVar aggregate classification (germline): Uncertain significance (1 of 4 stars; one submission).

Conditions:
Autosomal dominant Parkinson disease 8. Also called: Parkinson disease 8, susceptibility to; LRRK2-Related Parkinson Disease; Parkinson disease 8. Identifiers: Orphanet 411602, MedGen C1846862, MONDO:0011764, OMIM 607060.

Submission:

Labcorp Genetics (formerly Invitae), Labcorp
Classification: Uncertain significance for Autosomal dominant Parkinson disease 8. Last evaluated: 2024-10-24. Review status: criteria provided, single submitter. Criteria: Invitae Variant Classification Sherloc (09022015). Collection method: clinical testing. Allele origin: germline.
Comment: This sequence change replaces methionine, which is neutral and non-polar, with valine, which is neutral and non-polar, at codon 1788 of the LRRK2 protein (p.Met1788Val). This variant is present in population databases (rs373340746, gnomAD 0.02%). This variant has not been reported in the literature in individuals affected with LRRK2-related conditions. Invitae Evidence Modeling of protein sequence and biophysical properties (such as structural, functional, and spatial information, amino acid conservation, physicochemical variation, residue mobility, and thermodynamic stability) has been performed for this missense variant. However, the output from this modeling did not meet the statistical confidence thresholds required to predict the impact of this variant on LRRK2 protein function. In summary, the available evidence is currently insufficient to determine the role of this variant in disease. Therefore, it has been classified as a Variant of Uncertain Significance.

NM_198578.4(LRRK2):c.5362A>G (p.Met1788Val)

Gene: LRRK2 (leucine rich repeat kinase 2; plus strand). Cytogenetic location: 12q12.
Variant type: single nucleotide variant.
Coding change: c.5362A>G on transcript NM_198578.4 (MANE Select); coding-DNA position 5362, A replaced by G.
Protein change: p.Met1788Val; replaces methionine 1788 with valine.
Molecular consequence: missense variant.
Genome position (GRCh38, 1-based): chr12:40,322,363, A>G. VCF-style: chr12-40322363-A-G. GRCh37 (hg19) VCF-style: chr12-40716165-A-G.
Other names: short protein forms M1788V.
Identifiers: ClinVar variation 3719517 (VCV003719517.2).